The following is an entry in ClinVar:

ClinVar aggregate classification (germline): Likely pathogenic (1 of 4 stars; one submission).

Submission:

Labcorp Genetics (formerly Invitae), Labcorp
Classification: Likely pathogenic. Last evaluated: 2021-12-25. Review status: criteria provided, single submitter. Criteria: Invitae Variant Classification Sherloc (09022015). Collection method: clinical testing. Allele origin: germline.
Comment: In summary, the currently available evidence indicates that the variant is pathogenic, but additional data are needed to prove that conclusively. Therefore, this variant has been classified as Likely Pathogenic. Algorithms developed to predict the effect of sequence changes on RNA splicing suggest that this variant may disrupt the consensus splice site. This variant has not been reported in the literature in individuals affected with COL9A1-related conditions. This variant is not present in population databases (gnomAD no frequency). This sequence change affects an acceptor splice site in intron 15 of the COL9A1 gene. It is expected to disrupt RNA splicing. Variants that disrupt the donor or acceptor splice site typically lead to a loss of protein function (PMID: 16199547), and loss-of-function variants in COL9A1 are known to be pathogenic (PMID: 16909383, 21421862).

Literature cited by the submitters: PubMed 16199547; PubMed 16909383; PubMed 21421862.

NM_001851.6(COL9A1):c.1198-1G>C

Gene: COL9A1 (collagen type IX alpha 1 chain; minus strand). Cytogenetic location: 6q13.
Variant type: single nucleotide variant.
Coding change: c.1198-1G>C on transcript NM_001851.6 (MANE Select); the canonical splice acceptor site of the intron before coding-DNA position 1198, G replaced by C.
Molecular consequence: splice acceptor variant.
Genome position (GRCh38, 1-based): chr6:70,269,666, C>G on the plus strand (G>C on the coding strand, the complement: COL9A1 is on the minus strand). VCF-style: chr6-70269666-C-G. GRCh37 (hg19) VCF-style: chr6-70979369-C-G.
Other names: c.469-1G>C (NM_001377290.1, NM_078485.4, NM_001377289.1).
Identifiers: ClinVar variation 2061213 (VCV002061213.4), dbSNP rs2483392842, ClinGen allele CA364681048.
Genomic context (GRCh38, chr6:70,269,666, plus strand): 5'-TATTTTGTTCAAAGGAAAGCATCTTACCAATGGATCTCCATCATGAAAGCCAATTGTTCC[C>G]TAAAGTAAACAAAATATTAAGGTTCAGAATACAATTAAATAATGAATTCAAACATACTAA-3'